The following is an entry in ClinVar:

ClinVar aggregate classification (germline): Likely pathogenic (1 of 4 stars; one submission).

Conditions:
Cerebrooculofacioskeletal syndrome 3 (COFS3). Identifiers: MedGen C1851443, MONDO:0014696, OMIM 616570.

Submission:

UAEU Genomics Laboratory, United Arab Emirates University
Classification: Likely pathogenic for Cerebrooculofacioskeletal syndrome 3. Last evaluated: 2024-02-06. Review status: criteria provided, single submitter. Criteria: ACMG Guidelines, 2015. Collection method: research. Allele origin: germline. Affected: yes. Observed: 1 variant allele.
Comment: PM2, PVS1

NM_000123.4(ERCC5):c.2022del (p.Lys675fs)

Genes: BIVM-ERCC5 (BIVM-ERCC5 readthrough; plus strand), ERCC5 (ERCC excision repair 5, endonuclease; plus strand), LOC126861834 (BRD4-independent group 4 enhancer GRCh37_chr13:103518038-103519237; plus strand). Cytogenetic location: 13q33.1.
Variant type: Deletion.
Coding change: c.2022del on transcript NM_000123.4 (MANE Select); coding-DNA position 2022, one base deleted (C; older notation c.2022delC).
Protein change: p.Lys675fs; shifts the reading frame from lysine 675.
Molecular consequence: frameshift variant.
Genome position (GRCh38, 1-based): chr13:102,865,734, C deleted; the last of 2 consecutive C bases (chr13:102,865,733-102,865,734); deleting either gives the same sequence. VCF-style (leftmost placement, unchanged base first): chr13-102865732-TC-T. GRCh37 (hg19) VCF-style: chr13-103518082-TC-T.
Other names: c.3384del, p.Lys1129fs (NM_001204425.2); c.2022delC (NM_000123.4); short protein forms K1129fs, K675fs.
Identifiers: ClinVar variation 5042553 (VCV005042553.1).